The following is an entry in ClinVar:

NM_000070.3(CAPN3):c.382G>T (p.Asp128Tyr)

Genes: CAPN3 (calpain 3; plus strand), LOC126862115 (BRD4-independent group 4 enhancer GRCh37_chr15:42677734-42678933; plus strand). Cytogenetic location: 15q15.1.
Variant type: single nucleotide variant.
Coding change: c.382G>T on transcript NM_000070.3 (MANE Select); coding-DNA position 382, G replaced by T.
Protein change: p.Asp128Tyr; replaces aspartic acid 128 with tyrosine.
Molecular consequence: missense variant.
Genome position (GRCh38, 1-based): chr15:42,386,169, G>T. VCF-style: chr15-42386169-G-T. GRCh37 (hg19) VCF-style: chr15-42678367-G-T.
Other names: c.382G>T, p.Asp128Tyr (NM_024344.2, NM_173087.2); short protein forms D128Y.
Identifiers: ClinVar variation 3768861 (VCV003768861.1).

ClinVar aggregate classification (germline): Uncertain significance (1 of 4 stars; one submission).

Submission:

Women's Health and Genetics/Laboratory Corporation of America, LabCorp
Classification: Uncertain significance. Last evaluated: 2025-02-24. Review status: criteria provided, single submitter. Criteria: LabCorp Variant Classification Summary - May 2015. Collection method: clinical testing. Allele origin: germline.
Comment: Variant summary: CAPN3 c.382G>T (p.Asp128Tyr) results in a non-conservative amino acid change located in the catalytic domain (IPR001300) of the encoded protein sequence. Five of five in-silico tools predict a damaging effect of the variant on protein function. Consensus agreement among computation tools predict no significant impact on normal splicing. However, these predictions have yet to be confirmed by functional studies. The variant was absent in 251304 control chromosomes (gnomAD). The available data on variant occurrences in the general population are insufficient to allow any conclusion about variant significance. c.382G>T has been reported in the literature in a compound heterozygous individual affected with Limb-Girdle Muscular Dystrophy, Autosomal Recessive (Wang_2018). These data do not allow clear conclusions about variant significance. To our knowledge, no experimental evidence demonstrating an impact on protein function has been reported. The following publication have been ascertained in the context of this evaluation (PMID: 30107846). No submitters have cited clinical-significance assessments for this variant to ClinVar. Based on the evidence outlined above, the variant was classified as uncertain significance.

Literature cited by the submitters: PubMed 30107846.